The following is an entry in ClinVar:

ClinVar aggregate classification (germline): Pathogenic (1 of 4 stars; one submission).

Conditions:
DiGeorge syndrome. Also called: Catch22; THIRD AND FOURTH PHARYNGEAL POUCH SYNDROME. Identifiers: Orphanet 567, MedGen C0012236, MONDO:0008564, OMIM 188400.

Submission:

Labcorp Genetics (formerly Invitae), Labcorp
Classification: Pathogenic for DiGeorge syndrome. Last evaluated: 2023-09-01. Review status: criteria provided, single submitter. Criteria: Invitae Variant Classification Sherloc (09022015). Collection method: clinical testing. Allele origin: germline.
Comment: This sequence change creates a premature translational stop signal (p.His68Profs*45) in the TBX1 gene. It is expected to result in an absent or disrupted protein product. Loss-of-function variants in TBX1 are known to be pathogenic (PMID: 25860641, 29500247). The frequency data for this variant in the population databases is considered unreliable, as metrics indicate insufficient coverage at this position in the gnomAD database. This variant has not been reported in the literature in individuals affected with TBX1-related conditions. For these reasons, this variant has been classified as Pathogenic.

Literature cited by the submitters: PubMed 25860641; PubMed 29500247.

NM_001379200.1(TBX1):c.198_229dup (p.His77fs)

Gene: TBX1 (T-box transcription factor 1; plus strand). Cytogenetic location: 22q11.21.
Variant type: Duplication.
Coding change: c.198_229dup on transcript NM_001379200.1 (MANE Select); coding-DNA positions 198 to 229, 32 bases duplicated.
Protein change: p.His77fs; shifts the reading frame from histidine 77.
Molecular consequence: frameshift variant.
Genome position (GRCh38, 1-based): chr22:19,761,041-19,761,072, 32 bases duplicated; duplicating any 32 consecutive bases within chr22:19,761,029-19,761,072 gives the same sequence; the c. name uses the placement nearest the transcript's 3' end. GRCh37 (hg19): chr22:19,748,564-19,748,595.
Other names: c.171_202dup, p.His68fs (NM_005992.1, NM_080646.2, NM_080647.1); short protein forms H68fs, H77fs.
Identifiers: ClinVar variation 2917318 (VCV002917318.3), dbSNP rs2145827929, ClinGen allele CA2739267791.